The following is an entry in ClinVar:

ClinVar aggregate classification (germline): Uncertain significance. Review status: criteria provided, single submitter (1 of 4 stars). 2 submissions from 2 submitters: Uncertain significance (1). 1 of the submissions does not count toward it. Last evaluated 2025-07-04.

Conditions:
COL6A3-related disorder. Also called: COL6A3-related disorders; COL6A3-related condition.
Bethlem myopathy 1A. Also called: Bethlem Muscular Dystrophy; Bethlem myopathy 1; MYOPATHY, BENIGN CONGENITAL, WITH CONTRACTURES. Identifiers: Orphanet 610, MedGen CN029274, MONDO:0024530, OMIM 158810.

Allele frequency attached by ClinVar (database versions not stated): gnomAD exomes below 0.00001; gnomAD 0.00001; TOPMed 0.00002.
gnomAD v4.1: 6 of 1,613,966 alleles (0.00037%); highest among the groups gnomAD compares: Non-Finnish European, 0.00051%; no homozygotes.

Submissions (2):

Labcorp Genetics (formerly Invitae), Labcorp
Classification: Uncertain significance for Bethlem myopathy 1A. Last evaluated: 2025-07-04. Review status: criteria provided, single submitter. Criteria: Invitae Variant Classification Sherloc (09022015). Collection method: clinical testing. Allele origin: germline.
Comment: This sequence change replaces glutamic acid, which is acidic and polar, with aspartic acid, which is acidic and polar, at codon 2067 of the COL6A3 protein (p.Glu2067Asp). This variant is present in population databases (rs765647487, gnomAD 0.0009%). This variant has not been reported in the literature in individuals affected with COL6A3-related conditions. ClinVar contains an entry for this variant (Variation ID: 663110). Invitae Evidence Modeling of protein sequence and biophysical properties (such as structural, functional, and spatial information, amino acid conservation, physicochemical variation, residue mobility, and thermodynamic stability) indicates that this missense variant is expected to disrupt COL6A3 protein function with a positive predictive value of 80%. This variant disrupts the p.Glu2067 amino acid residue in COL6A3. Other variant(s) that disrupt this residue have been determined to be pathogenic (PMID: 24271325, 26436962, 30564623; internal data). This suggests that this residue is clinically significant, and that variants that disrupt this residue are likely to be disease-causing. In summary, the available evidence is currently insufficient to determine the role of this variant in disease. Therefore, it has been classified as a Variant of Uncertain Significance.

PreventionGenetics, part of Exact Sciences
Classification: Uncertain significance for COL6A3-related condition. Last evaluated: 2024-02-15. Review status: no assertion criteria provided. Collection method: clinical testing. Allele origin: germline. Not counted in ClinVar's aggregate classification.
Comment: The COL6A3 c.6201G>C variant is predicted to result in the amino acid substitution p.Glu2067Asp. To our knowledge, this variant has not been reported in the literature. However, a different missense affecting the same amino acid has been reported in patients with Bethlem myopathy (c.6199G>A, p.Glu2067Lys; Ghaoui et al. 2015. PubMed ID: 26436962, Inoue et al. 2021. PubMed ID: 34167565, Nallamilli et al. 2018. PubMed ID: 30564623). The c.6201G>C variant is reported in 0.00088% of alleles in individuals of European (Non-Finnish) descent in gnomAD. At this time, the clinical significance of this variant is uncertain due to the absence of conclusive functional and genetic evidence.

Literature cited by the submitters: PubMed 24271325 (cited by Labcorp Genetics (formerly Invitae), Labcorp); PubMed 26436962 (cited by Labcorp Genetics (formerly Invitae), Labcorp); PubMed 30564623 (cited by Labcorp Genetics (formerly Invitae), Labcorp).

NM_004369.4(COL6A3):c.6201G>C (p.Glu2067Asp)

Gene: COL6A3 (collagen type VI alpha 3 chain; minus strand). Cytogenetic location: 2q37.3.
Variant type: single nucleotide variant.
Coding change: c.6201G>C on transcript NM_004369.4 (MANE Select); coding-DNA position 6201, G replaced by C.
Protein change: p.Glu2067Asp; replaces glutamic acid 2067 with aspartic acid.
Molecular consequence: missense variant.
Genome position (GRCh38, 1-based): chr2:237,361,130, C>G on the plus strand (G>C on the coding strand, the complement: COL6A3 is on the minus strand). VCF-style: chr2-237361130-C-G. GRCh37 (hg19) VCF-style: chr2-238269773-C-G.
Other names: c.4380G>C, p.Glu1460Asp (NM_057166.5); c.5583G>C, p.Glu1861Asp (NM_057167.4); short protein forms E1460D, E2067D, E1861D.
Identifiers: ClinVar variation 663110 (VCV000663110.13), dbSNP rs765647487, ClinGen allele CA67855109.